The following is an entry in ClinVar:

NM_031885.5(BBS2):c.289C>T (p.Gln97Ter)

Gene: BBS2 (Bardet-Biedl syndrome 2; minus strand). Cytogenetic location: 16q13.
Variant type: single nucleotide variant.
Coding change: c.289C>T on transcript NM_031885.5 (MANE Select); coding-DNA position 289, C replaced by T.
Protein change: p.Gln97Ter; replaces glutamine 97 with a stop codon.
Molecular consequence: nonsense. On other transcripts: non-coding transcript variant (5).
Genome position (GRCh38, 1-based): chr16:56,514,509, G>A on the plus strand (C>T on the coding strand, the complement: BBS2 is on the minus strand). VCF-style: chr16-56514509-G-A. GRCh37 (hg19) VCF-style: chr16-56548421-G-A.
Other names: c.289C>T, p.Gln97Ter (NM_001377456.1); short protein forms Q97*.
Identifiers: ClinVar variation 984328 (VCV000984328.4), dbSNP rs1964676925, ClinGen allele CA395985601.

ClinVar aggregate classification (germline): Likely pathogenic. Review status: criteria provided, multiple submitters, no conflicts (2 of 4 stars). 2 submissions from 2 submitters: Likely pathogenic (2). Last evaluated 2023-06-14.

Conditions:
Bardet-Biedl syndrome 2 (BBS2). Identifiers: Orphanet 110, MedGen C2936863, MONDO:0014432, OMIM 615981.

Submissions (2):

Baylor Genetics
Classification: Likely pathogenic for Bardet-Biedl syndrome 2. Last evaluated: 2023-06-14. Review status: criteria provided, single submitter. Criteria: ACMG Guidelines, 2015. Collection method: clinical testing. Allele origin: unknown.

Myriad Genetics, Inc.
Classification: Likely pathogenic for Bardet-Biedl syndrome 2. Last evaluated: 2020-03-05. Review status: criteria provided, single submitter. Criteria: Myriad Women's Health Autosomal Recessive and X-Linked Classification Criteria (2019). Collection method: clinical testing. Allele origin: unknown.
Comment: NM_031885.3(BBS2):c.289C>T(Q97*) is expected to be pathogenic in the context of Bardet-Biedl syndrome, BBS2-related. This variant is predicted to lead to an abnormal or absent protein product due to the creation of a premature termination codon in BBS2, a gene where loss-of-function variants are known to be pathogenic. Please note: this variant was assessed in the context of healthy population screening.